The following is an entry in ClinVar:

ClinVar aggregate classification (germline): Pathogenic/Likely pathogenic. Review status: criteria provided, multiple submitters, no conflicts (2 of 4 stars). 2 submissions from 2 submitters: Pathogenic (1); Likely pathogenic (1). Last evaluated 2024-02-29.

Conditions:
3-methylcrotonyl-CoA carboxylase 1 deficiency (MCC1D). Also called: MCCD TYPE 1; METHYLCROTONYLGLYCINURIA TYPE I; MCC 1 deficiency; 3 Alpha methylcrotonylglycinuria 1. Identifiers: Orphanet 6, MedGen CN028786, MONDO:0008861, OMIM 210200.

Allele frequency attached by ClinVar (database versions not stated): gnomAD exomes below 0.00001; gnomAD 0.00001.
gnomAD v4.1: 3 of 1,614,088 alleles (0.00019%); highest among the groups gnomAD compares: East Asian, 0.0067%; no homozygotes.

Submissions (2):

Labcorp Genetics (formerly Invitae), Labcorp
Classification: Pathogenic for 3-methylcrotonyl-CoA carboxylase 1 deficiency. Last evaluated: 2024-02-29. Review status: criteria provided, single submitter. Criteria: Invitae Variant Classification Sherloc (09022015). Collection method: clinical testing. Allele origin: germline.
Comment: This sequence change creates a premature translational stop signal (p.Gln105*) in the MCCC1 gene. It is expected to result in an absent or disrupted protein product. Loss-of-function variants in MCCC1 are known to be pathogenic (PMID: 11181649, 15359379, 22642865). This variant is present in population databases (no rsID available, gnomAD 0.01%). This premature translational stop signal has been observed in individual(s) with a positive newborn screening result for MCCC1-related disease (PMID: 31901042). ClinVar contains an entry for this variant (Variation ID: 1069056). For these reasons, this variant has been classified as Pathogenic.

Baylor Genetics
Classification: Likely pathogenic for 3-methylcrotonyl-CoA carboxylase 1 deficiency. Last evaluated: 2023-05-10. Review status: criteria provided, single submitter. Criteria: ACMG Guidelines, 2015. Collection method: clinical testing. Allele origin: unknown.

Literature cited by the submitters: PubMed 11181649 (cited by Labcorp Genetics (formerly Invitae), Labcorp); PubMed 15359379 (cited by Labcorp Genetics (formerly Invitae), Labcorp); PubMed 22642865 (cited by Labcorp Genetics (formerly Invitae), Labcorp); PubMed 31901042 (cited by Labcorp Genetics (formerly Invitae), Labcorp).

NM_020166.5(MCCC1):c.313C>T (p.Gln105Ter)

Gene: MCCC1 (methylcrotonyl-CoA carboxylase subunit 1; minus strand). Cytogenetic location: 3q27.1.
Variant type: single nucleotide variant.
Coding change: c.313C>T on transcript NM_020166.5 (MANE Select); coding-DNA position 313, C replaced by T.
Protein change: p.Gln105Ter; replaces glutamine 105 with a stop codon.
Molecular consequence: nonsense. On other transcripts: synonymous variant (1), 5 prime UTR variant (1), non-coding transcript variant (1).
Genome position (GRCh38, 1-based): chr3:183,086,749, G>A on the plus strand (C>T on the coding strand, the complement: MCCC1 is on the minus strand). VCF-style: chr3-183086749-G-A. GRCh37 (hg19) VCF-style: chr3-182804537-G-A.
Other names: c.84C>T, p.Ser28= (NM_001293273.2); c.-15C>T (NM_001363880.1); short protein forms Q105*.
Identifiers: ClinVar variation 1069056 (VCV001069056.10), dbSNP rs1163620394, ClinGen allele CA355319471.